The following is an entry in ClinVar:

ClinVar aggregate classification (germline): Likely benign. Review status: criteria provided, multiple submitters, no conflicts (2 of 4 stars). 2 submissions from 2 submitters: Likely benign (2). Last evaluated 2026-05-01.

Conditions:
Febrile seizures, familial, 8 (FEB8). Also called: CONVULSIONS, FAMILIAL FEBRILE, 8. Identifiers: Orphanet 36387, MedGen C1969810, MONDO:0011891, OMIM 607681.
EPILEPSY, CHILDHOOD ABSENCE, SUSCEPTIBILITY TO, 2 (ECA2). Identifiers: Orphanet 64280, MedGen C1843244, OMIM 607681.

Allele frequency attached by ClinVar (database versions not stated): gnomAD exomes below 0.00001.
gnomAD v4.1: 2 of 1,614,070 alleles (0.00012%); highest among the groups gnomAD compares: Non-Finnish European, 0.00017%; no homozygotes.

Submissions (2):

CeGaT Center for Human Genetics Tuebingen
Classification: Likely benign. Last evaluated: 2026-05-01. Review status: criteria provided, single submitter. Criteria: CeGaT Center For Human Genetics Tuebingen Variant Classification Criteria Version 2. Collection method: clinical testing. Allele origin: germline. Affected: yes. Observed: 1 variant allele.
Comment: GABRG2: BP4

Labcorp Genetics (formerly Invitae), Labcorp
Classification: Likely benign for Febrile seizures, familial, 8; EPILEPSY, CHILDHOOD ABSENCE, SUSCEPTIBILITY TO, 2. Last evaluated: 2022-12-04. Review status: criteria provided, single submitter. Criteria: Invitae Variant Classification Sherloc (09022015). Collection method: clinical testing. Allele origin: germline.

NM_198904.4(GABRG2):c.1203T>C (p.Asn401=)

Gene: GABRG2 (gamma-aminobutyric acid type A receptor subunit gamma2; plus strand). Cytogenetic location: 5q34.
Variant type: single nucleotide variant.
Coding change: c.1203T>C on transcript NM_198904.4 (MANE Select); coding-DNA position 1203, T replaced by C.
Protein change: p.Asn401=; no amino-acid change (asparagine 401 retained).
Molecular consequence: synonymous variant. On other transcripts: 3 prime UTR variant (1).
Genome position (GRCh38, 1-based): chr5:162,153,143, T>C. VCF-style: chr5-162153143-T-C. GRCh37 (hg19) VCF-style: chr5-161580149-T-C.
Other names: c.1179T>C, p.Asn393= (NM_000816.3); c.1194T>C, p.Asn398= (NM_001375339.1); c.*37T>C (NM_001375340.1); c.1200T>C, p.Asn400= (NM_001375341.1); c.1176T>C, p.Asn392= (NM_001375342.1); c.1299T>C, p.Asn433= (NM_001375343.1); c.1242T>C, p.Asn414= (NM_001375344.1); c.1113T>C, p.Asn371= (NM_001375345.1); and 6 more.
Identifiers: ClinVar variation 2078507 (VCV002078507.6), dbSNP rs1187083565, ClinGen allele CA447691696.